The following is an entry in ClinVar:

ClinVar aggregate classification (germline): Likely pathogenic (1 of 4 stars; one submission).

Conditions:
LAMA2-related muscular dystrophy (LAMA2-RD). Also called: Laminin alpha 2-related dystrophy. Identifiers: MedGen C5679788, MONDO:0100228.

Submission:

Myriad Genetics, Inc.
Classification: Likely pathogenic for LAMA2-related muscular dystrophy. Last evaluated: 2021-12-08. Review status: criteria provided, single submitter. Criteria: Myriad Autosomal Dominant, Autosomal Recessive and X-Linked Classification Criteria (2023). Collection method: clinical testing. Allele origin: unknown.
Comment: NM_000426.3(LAMA2):c.7142delCinsGT(A2381Gfs*15) is expected to be pathogenic in the context of muscular dystrophy, LAMA2-related. This variant is predicted to lead to an abnormal or absent protein product due to the creation of a premature termination codon in LAMA2, a gene where loss-of-function variants are known to be pathogenic. Please note: this variant was assessed in the context of healthy population screening.

NM_000426.4(LAMA2):c.7142delinsGT (p.Ala2381fs)

Gene: LAMA2 (laminin subunit alpha 2; plus strand). Cytogenetic location: 6q22.33.
Variant type: Indel.
Coding change: c.7142delinsGT on transcript NM_000426.4 (MANE Select); coding-DNA position 7142, C replaced by GT.
Protein change: p.Ala2381fs; shifts the reading frame from alanine 2381.
Molecular consequence: frameshift variant.
Genome position (GRCh38, 1-based): chr6:129,464,439, C replaced by GT. VCF-style: chr6-129464439-C-GT. GRCh37 (hg19) VCF-style: chr6-129785584-C-GT.
Other names: c.7142delinsGT, p.Ala2381fs (NM_001079823.2); short protein forms A2381fs.
Identifiers: ClinVar variation 1725993 (VCV001725993.3), dbSNP rs2533441711, ClinGen allele CA2580074984.